The following is an entry in ClinVar:

NM_001174147.2(LMX1B):c.819+1G>A

Gene: LMX1B (LIM homeobox transcription factor 1 beta; plus strand). Cytogenetic location: 9q33.3.
Variant type: single nucleotide variant.
Coding change: c.819+1G>A on transcript NM_001174147.2 (MANE Select); the canonical splice donor site of the intron after coding-DNA position 819, G replaced by A.
Molecular consequence: splice donor variant.
Genome position (GRCh38, 1-based): chr9:126,693,602, G>A. VCF-style: chr9-126693602-G-A. GRCh37 (hg19) VCF-style: chr9-129455881-G-A.
Other names: c.819+1G>A (NM_001174146.2, NM_002316.4).
Identifiers: ClinVar variation 827651 (VCV000827651.2), dbSNP rs1588307501, ClinGen allele CA374913973.

ClinVar aggregate classification (germline): Pathogenic. Review status: criteria provided, multiple submitters, no conflicts (2 of 4 stars). 2 submissions from 2 submitters: Pathogenic (2). Last evaluated 2023-05-08.

Conditions:
Nail-patella syndrome (NPS). Also called: FONG DISEASE; ONYCHOOSTEODYSPLASIA; TURNER-KIESER SYNDROME. Identifiers: Orphanet 2614, MedGen C0027341, MONDO:0008061, OMIM 161200.

Submissions (2):

Pittsburgh Clinical Genomics Laboratory, University of Pittsburgh Medical Center
Classification: Pathogenic for Nail-patella syndrome. Last evaluated: 2023-05-08. Review status: criteria provided, single submitter. Criteria: ACMG Guidelines, 2015. Collection method: clinical testing. Allele origin: germline. Inheritance: Autosomal dominant inheritance. Affected: yes.
Comment: This sequence variant is a single nucleotide substitution (G>A) one base past the end of exon 5 of 8 of the LMX1B gene. This variant is predicted to disrupt the canonical donor splice of exon 5 resulting in the in-frame deletion of exon 5. This deletion would occur in the homeodomain of the LMX1B encoded protein, LIM homeobox transcription factor 1 beta. This is a previously reported variant (ClinVar) that has been observed in individuals affected by il-patella syndrome (PMID: 32457516, 28335748, 18535845). This variant is absent from the gnomAD population database (0 of approximately 250,000 alleles). To our knowledge, studies examining the functiol consequence of this variant have not been published. Based on the available evidence, we consider this a pathogenic variant. ACMG Criteria: PM2, PS4, PVS1

Pediatric Nephrology Laboratory, The University of Tokyo Hospital
Classification: Pathogenic for Nail-patella syndrome. Last evaluated: 2020-03-16. Review status: criteria provided, single submitter. Criteria: ACMG Guidelines, 2015. Collection method: clinical testing. Allele origin: germline. Affected: yes.

Literature cited by the submitters: PubMed 32457516 (cited by Pittsburgh Clinical Genomics Laboratory, University of Pittsburgh Medical Center); PubMed 28335748 (cited by Pittsburgh Clinical Genomics Laboratory, University of Pittsburgh Medical Center and Pediatric Nephrology Laboratory, The University of Tokyo Hospital); PubMed 18535845 (cited by Pittsburgh Clinical Genomics Laboratory, University of Pittsburgh Medical Center).